The following is an entry in ClinVar:

NM_005228.5(EGFR):c.50C>T (p.Ala17Val)

Gene: EGFR (epidermal growth factor receptor; plus strand). Cytogenetic location: 7p11.2.
Variant type: single nucleotide variant.
Coding change: c.50C>T on transcript NM_005228.5 (MANE Select); coding-DNA position 50, C replaced by T.
Protein change: p.Ala17Val; replaces alanine 17 with valine.
Molecular consequence: missense variant.
Genome position (GRCh38, 1-based): chr7:55,019,327, C>T. VCF-style: chr7-55019327-C-T. GRCh37 (hg19) VCF-style: chr7-55087020-C-T.
Other names: c.50C>T, p.Ala17Val (NM_001346897.2, NM_001346898.2, NM_001346899.2 and 4 more transcripts); short protein forms A17V.
Identifiers: ClinVar variation 3687142 (VCV003687142.3).
Genomic context (GRCh38, chr7:55,019,327, plus strand): 5'-GGGGAGCAGCGATGCGACCCTCCGGGACGGCCGGGGCAGCGCTCCTGGCGCTGCTGGCTG[C>T]GCTCTGCCCGGCGAGTCGGGCTCTGGAGGAAAAGAAAGGTAAGGGCGTGTCTCGCCGGCT-3'
Protein context (NP_005219.2, residues 7-27): AGAALLALLA[Ala17Val]LCPASRALEE

ClinVar aggregate classification (germline): Conflicting classifications of pathogenicity. Review status: criteria provided, conflicting classifications (1 of 4 stars). 2 submissions from 2 submitters: Uncertain significance (1); Likely benign (1). Last evaluated 2024-12-31.

Conditions:
Hereditary cancer-predisposing syndrome. Also called: Tumor predisposition; Neoplastic Syndromes, Hereditary; Hereditary Cancer Syndrome; Hereditary neoplastic syndrome. Identifiers: Orphanet 140162, MedGen C0027672, MeSH D009386, MONDO:0015356.
EGFR-related lung cancer (EGFR). Identifiers: MedGen CN130014.

gnomAD v4.1: 2 of 1,520,502 alleles (0.00013%); highest among the groups gnomAD compares: African/African-American, 0.0014%; no homozygotes.

Submissions (2):

Ambry Genetics
Classification: Likely benign for Hereditary cancer-predisposing syndrome. Last evaluated: 2024-12-31. Review status: criteria provided, single submitter. Criteria: Ambry Variant Classification Scheme 2023. Collection method: clinical testing. Allele origin: germline.

Labcorp Genetics (formerly Invitae), Labcorp
Classification: Uncertain significance for EGFR-related lung cancer. Last evaluated: 2024-03-12. Review status: criteria provided, single submitter. Criteria: Invitae Variant Classification Sherloc (09022015). Collection method: clinical testing. Allele origin: germline.
Comment: This sequence change replaces alanine, which is neutral and non-polar, with valine, which is neutral and non-polar, at codon 17 of the EGFR protein (p.Ala17Val). This variant is not present in population databases (gnomAD no frequency). This variant has not been reported in the literature in individuals affected with EGFR-related conditions. Algorithms developed to predict the effect of missense changes on protein structure and function output the following: SIFT: "Not Available"; PolyPhen-2: "Benign"; Align-GVGD: "Not Available". The valine amino acid residue is found in multiple mammalian species, which suggests that this missense change does not adversely affect protein function. In summary, the available evidence is currently insufficient to determine the role of this variant in disease. Therefore, it has been classified as a Variant of Uncertain Significance.